The following is an entry in ClinVar:

NM_004586.3(RPS6KA3):c.1378C>T (p.Pro460Ser)

Gene: RPS6KA3 (ribosomal protein S6 kinase A3; minus strand). Cytogenetic location: Xp22.12.
Variant type: single nucleotide variant.
Coding change: c.1378C>T on transcript NM_004586.3 (MANE Select); coding-DNA position 1378, C replaced by T.
Protein change: p.Pro460Ser; replaces proline 460 with serine.
Molecular consequence: missense variant.
Genome position (GRCh38, 1-based): chrX:20,169,467, G>A on the plus strand (C>T on the coding strand, the complement: RPS6KA3 is on the minus strand). VCF-style: chrX-20169467-G-A. GRCh37 (hg19) VCF-style: chrX-20187585-G-A.
Other names: c.1294C>T, p.Pro432Ser (NM_001438340.1); short protein forms P432S, P460S.
Identifiers: ClinVar variation 4086354 (VCV004086354.1).

ClinVar aggregate classification (germline): Uncertain significance (1 of 4 stars; one submission).

Submission:

GeneDx
Classification: Uncertain significance. Last evaluated: 2025-03-18. Review status: criteria provided, single submitter. Criteria: GeneDx Variant Classification Process June 2021. Collection method: clinical testing. Allele origin: germline. Affected: yes.
Comment: Not observed at significant frequency in large population cohorts (gnomAD); In silico analysis supports that this missense variant has a deleterious effect on protein structure/function; Has not been previously published as pathogenic or benign to our knowledge